The following is an entry in ClinVar:

NM_001267550.2(TTN):c.65275+13G>T

Genes: TTN (titin; minus strand), TTN-AS1 (TTN antisense RNA 1; plus strand). Cytogenetic location: 2q31.2.
Variant type: single nucleotide variant.
Coding change: c.65275+13G>T on transcript NM_001267550.2 (MANE Select); 13 bases into the intron after coding-DNA position 65275, G replaced by T.
Molecular consequence: intron variant.
Genome position (GRCh38, 1-based): chr2:178,584,263, C>A on the plus strand (G>T on the coding strand, the complement: TTN is on the minus strand). VCF-style: chr2-178584263-C-A. GRCh37 (hg19) VCF-style: chr2-179448990-C-A.
Other names: c.38080+13G>T (NM_003319.4); c.38656+13G>T (NM_133437.4); c.38455+13G>T (NM_133432.3); c.57571+13G>T (NM_133378.4); c.60352+13G>T (NM_001256850.1).
Identifiers: ClinVar variation 179625 (VCV000179625.9), dbSNP rs727504999, ClinGen allele CA184799.

ClinVar aggregate classification (germline): Likely benign. Review status: criteria provided, multiple submitters, no conflicts (2 of 4 stars). 3 submissions from 3 submitters: Likely benign (3). Last evaluated 2025-11-01.

Conditions:
Autosomal recessive limb-girdle muscular dystrophy type 2J (LGMDR10). Also called: Limb-girdle muscular dystrophy, type 2J; MUSCULAR DYSTROPHY, LIMB-GIRDLE, AUTOSOMAL RECESSIVE 10. Identifiers: Orphanet 140922, MedGen C1837342, MONDO:0012127, OMIM 608807.
Dilated cardiomyopathy 1G (CMD1G). Identifiers: Orphanet 154, MedGen C1858763, MONDO:0011400, OMIM 604145.

Allele frequency attached by ClinVar (database versions not stated): gnomAD 0.00001 and 0.00002; gnomAD exomes 0.00001; TOPMed 0.00003.
gnomAD v4.1: 16 of 1,537,074 alleles (0.001%); highest among the groups gnomAD compares: Middle Eastern, 0.017%; no homozygotes.

Submissions (3):

Labcorp Genetics (formerly Invitae), Labcorp
Classification: Likely benign for Dilated cardiomyopathy 1G; Autosomal recessive limb-girdle muscular dystrophy type 2J. Last evaluated: 2025-11-01. Review status: criteria provided, single submitter. Criteria: Invitae Variant Classification Sherloc (09022015). Collection method: clinical testing. Allele origin: germline.

Blueprint Genetics
Classification: Likely benign. Last evaluated: 2024-04-30. Review status: criteria provided, single submitter. Criteria: ACMG Guidelines, 2015. Collection method: clinical testing. Allele origin: germline.

Laboratory for Molecular Medicine, Mass General Brigham Personalized Medicine
Classification: Likely benign. Last evaluated: 2014-03-19. Review status: criteria provided, single submitter. Criteria: LMM Criteria. Collection method: clinical testing. Allele origin: germline. Observed: 1 variant allele.
Comment: 57571+13G>T in intron 260 in TTN: This variant is not expected to have clinical significance because it is not located within the splice consensus sequence.